The following is an entry in ClinVar:

NM_003105.6(SORL1):c.5165G>C (p.Arg1722Thr)

Gene: SORL1 (sortilin related receptor 1; plus strand). Cytogenetic location: 11q24.1.
Variant type: single nucleotide variant.
Coding change: c.5165G>C on transcript NM_003105.6 (MANE Select); coding-DNA position 5165, G replaced by C.
Protein change: p.Arg1722Thr; replaces arginine 1722 with threonine.
Molecular consequence: missense variant.
Genome position (GRCh38, 1-based): chr11:121,607,289, G>C. VCF-style: chr11-121607289-G-C. GRCh37 (hg19) VCF-style: chr11-121477998-G-C.
Other names: short protein forms R1722T.
Identifiers: ClinVar variation 1435954 (VCV001435954.8), dbSNP rs1863492086, ClinGen allele CA383040567.

ClinVar aggregate classification (germline): Uncertain significance (1 of 4 stars; one submission).

Allele frequency attached by ClinVar (database versions not stated): gnomAD 0.00001.
gnomAD v4.1: 3 of 1,549,402 alleles (0.00019%); highest among the groups gnomAD compares: Admixed American, 0.0017%; no homozygotes.

Submission:

Labcorp Genetics (formerly Invitae), Labcorp
Classification: Uncertain significance. Last evaluated: 2021-04-27. Review status: criteria provided, single submitter. Criteria: Invitae Variant Classification Sherloc (09022015). Collection method: clinical testing. Allele origin: germline.
Comment: Algorithms developed to predict the effect of missense changes on protein structure and function are either unavailable or do not agree on the potential impact of this missense change (SIFT: "Deleterious"; PolyPhen-2: "Probably Damaging"; Align-GVGD: "Class C0"). This variant has not been reported in the literature in individuals with SORL1-related conditions. This variant is not present in population databases (ExAC no frequency). This sequence change replaces arginine with threonine at codon 1722 of the SORL1 protein (p.Arg1722Thr). The arginine residue is moderately conserved and there is a moderate physicochemical difference between arginine and threonine. In summary, the available evidence is currently insufficient to determine the role of this variant in disease. Therefore, it has been classified as a Variant of Uncertain Significance.